The following is an entry in ClinVar:

NM_000322.5(PRPH2):c.*1079G>A

Gene: PRPH2 (peripherin 2; minus strand). Cytogenetic location: 6p21.1.
Variant type: single nucleotide variant.
Coding change: c.*1079G>A on transcript NM_000322.5 (MANE Select); 1079 bases downstream of the stop codon, G replaced by A.
Molecular consequence: 3 prime UTR variant.
Genome position (GRCh38, 1-based): chr6:42,697,216, C>T on the plus strand (G>A on the coding strand, the complement: PRPH2 is on the minus strand). VCF-style: chr6-42697216-C-T. GRCh37 (hg19) VCF-style: chr6-42664954-C-T.
Identifiers: ClinVar variation 908512 (VCV000908512.4), dbSNP rs572613522, ClinGen allele CA138165855.

ClinVar aggregate classification (germline): Conflicting classifications of pathogenicity. Review status: criteria provided, conflicting classifications (1 of 4 stars). 6 submissions from 1 submitter: Uncertain significance (3); Benign (2); Likely benign (1). Last evaluated 2018-01-13.

Conditions:
Cone-rod dystrophy. Also called: Cone-rod degeneration; Cone/cone-rod dystrophy. Identifiers: Orphanet 1872, MedGen C4085590, MONDO:0015993, HP:0000548.
Retinitis pigmentosa (RP). Identifiers: Orphanet 791, MedGen C0035334, MeSH D012174, MONDO:0019200, OMIM 268000. Inheritance: Autosomal dominant, autosomal recessive and X linked inheritance.
Choroidal dystrophy, central areolar 2 (CACD2). Also called: Choriodal Dystrophy, Central Areolar 2; MACULAR DYSTROPHY, PROGRESSIVE. Identifiers: Orphanet 75377, MedGen C2751290, MONDO:0013137, OMIM 613105.
Patterned macular dystrophy 1. Also called: BUTTERFLY DYSTROPHY OF RETINAL PIGMENT EPITHELIUM; MACULAR DYSTROPHY, BUTTERFLY-SHAPED PIGMENTARY. Identifiers: Orphanet 99001, MedGen C4551999, MONDO:0008210, OMIM 169150.
Pigmentary retinal dystrophy. Also called: Fundus albipunctatus. Identifiers: Orphanet 227796, Orphanet 52427, MedGen C0311338, MONDO:0007639, OMIM 136880, HP:0030642.
Adult-onset foveomacular vitelliform dystrophy. Also called: FOVEOMACULAR DYSTROPHY, ADULT-ONSET, WITH OR WITHOUT CHOROIDAL NEOVASCULARIZATION; FOVEOMACULAR DYSTROPHY, ADULT-ONSET; Adult onset vitelliform dystrophy. Identifiers: Orphanet 99000, MedGen C1842914, MONDO:0011979.

Allele frequency attached by ClinVar (database versions not stated): 1000 Genomes Project 30x 0.00125; gnomAD 0.00010 and 0.00014; TOPMed 0.00013; 1000 Genomes Project 0.00080.

Submissions (6):

Illumina Laboratory Services, Illumina
Classification: Likely benign for Cone-rod dystrophy. Last evaluated: 2018-01-13. Review status: criteria provided, single submitter. Criteria: ICSL Variant Classification Criteria 13 December 2019. Collection method: clinical testing. Allele origin: germline.
Comment: This variant was observed in the ICSL laboratory as part of a predisposition screen in an ostensibly healthy population. It had not been previously curated by ICSL or reported in the Human Gene Mutation Database (HGMD: prior to June 1st, 2018), and was therefore a candidate for classification through an automated scoring system. Utilizing variant allele frequency, disease prevalence and penetrance estimates, and inheritance mode, an automated score was calculated to assess if this variant is too frequent to cause the disease. Based on the score and internal cut-off values, a variant classified as likely benign is not then subjected to further curation. The score for this variant resulted in a classification of likely benign for this disease.

Illumina Laboratory Services, Illumina
Classification: Uncertain significance for Pigmentary retinal dystrophy. Last evaluated: 2018-01-13. Review status: criteria provided, single submitter. Criteria: ICSL Variant Classification Criteria 13 December 2019. Collection method: clinical testing. Allele origin: germline.

Illumina Laboratory Services, Illumina
Classification: Benign for Vitelliform macular dystrophy 3. Last evaluated: 2018-01-13. Review status: criteria provided, single submitter. Criteria: ICSL Variant Classification Criteria 13 December 2019. Collection method: clinical testing. Allele origin: germline.
Comment: This variant was observed in the ICSL laboratory as part of a predisposition screen in an ostensibly healthy population. It had not been previously curated by ICSL or reported in the Human Gene Mutation Database (HGMD: prior to June 1st, 2018), and was therefore a candidate for classification through an automated scoring system. Utilizing variant allele frequency, disease prevalence and penetrance estimates, and inheritance mode, an automated score was calculated to assess if this variant is too frequent to cause the disease. Based on the score and internal cut-off values, a variant classified as benign is not then subjected to further curation. The score for this variant resulted in a classification of benign for this disease.

Illumina Laboratory Services, Illumina
Classification: Uncertain significance for Patterned macular dystrophy 1. Last evaluated: 2018-01-13. Review status: criteria provided, single submitter. Criteria: ICSL Variant Classification Criteria 13 December 2019. Collection method: clinical testing. Allele origin: germline.

Illumina Laboratory Services, Illumina
Classification: Benign for Choroidal dystrophy, central areolar 2. Last evaluated: 2018-01-13. Review status: criteria provided, single submitter. Criteria: ICSL Variant Classification Criteria 13 December 2019. Collection method: clinical testing. Allele origin: germline.
Comment: the same text as in the submission from Illumina Laboratory Services, Illumina above.

Illumina Laboratory Services, Illumina
Classification: Uncertain significance for Retinitis pigmentosa. Last evaluated: 2018-01-13. Review status: criteria provided, single submitter. Criteria: ICSL Variant Classification Criteria 13 December 2019. Collection method: clinical testing. Allele origin: germline.